The following is an entry in ClinVar:

ClinVar aggregate classification (germline): Pathogenic (1 of 4 stars; one submission).

Conditions:
Bardet-Biedl syndrome (BBS). Identifiers: Orphanet 110, MedGen C0752166, MONDO:0015229.

Submission:

Labcorp Genetics (formerly Invitae), Labcorp
Classification: Pathogenic for Bardet-Biedl syndrome. Last evaluated: 2020-01-15. Review status: criteria provided, single submitter. Criteria: Invitae Variant Classification Sherloc (09022015). Collection method: clinical testing. Allele origin: germline.
Comment: For these reasons, this variant has been classified as Pathogenic. This variant disrupts the C-terminus of the BBS12 protein. Other variant(s) that disrupt this region (p.Glu365Argfs*18) have been determined to be pathogenic (PMID: 17160889, 27659767). This suggests that variants that disrupt this region of the protein are likely to be causative of disease. This variant has not been reported in the literature in individuals with BBS12-related conditions. This variant is not present in population databases (ExAC no frequency). This sequence change results in a premature translational stop signal in the BBS12 gene (p.Leu363Hisfs*10). While this is not anticipated to result in nonsense mediated decay, it is expected to disrupt the last 348 amino acids of the BBS12 protein.

Literature cited by the submitters: PubMed 17160889; PubMed 27659767.

NM_152618.3(BBS12):c.1088_1089del (p.Leu363fs)

Gene: BBS12 (Bardet-Biedl syndrome 12; plus strand). Cytogenetic location: 4q27.
Variant type: Deletion.
Coding change: c.1088_1089del on transcript NM_152618.3 (MANE Select); coding-DNA positions 1088 to 1089, 2 bases deleted (TC; older notation c.1088_1089delTC).
Protein change: p.Leu363fs; shifts the reading frame from leucine 363.
Molecular consequence: frameshift variant.
Genome position (GRCh38, 1-based): chr4:122,742,980-122,742,981, TC deleted; deleting any 2 consecutive bases within chr4:122,742,979-122,742,981 gives the same sequence; the c. name uses the placement nearest the transcript's 3' end. VCF-style (leftmost placement, unchanged base first): chr4-122742978-CCT-C. GRCh37 (hg19) VCF-style: chr4-123664133-CCT-C.
Other names: c.1088_1089del, p.Leu363fs (NM_001178007.2); short protein forms L363fs.
Identifiers: ClinVar variation 1073661 (VCV001073661.5), dbSNP rs2150736854, ClinGen allele CA2499217072.